The following is an entry in ClinVar:

NM_006031.6(PCNT):c.7246C>G (p.Pro2416Ala)

Gene: PCNT (pericentrin; plus strand). Cytogenetic location: 21q22.3.
Variant type: single nucleotide variant.
Coding change: c.7246C>G on transcript NM_006031.6 (MANE Select); coding-DNA position 7246, C replaced by G.
Protein change: p.Pro2416Ala; replaces proline 2416 with alanine.
Molecular consequence: missense variant.
Genome position (GRCh38, 1-based): chr21:46,425,897, C>G. VCF-style: chr21-46425897-C-G. GRCh37 (hg19) VCF-style: chr21-47845811-C-G.
Other names: c.6892C>G, p.Pro2298Ala (NM_001315529.2); short protein forms P2298A, P2416A.
Identifiers: ClinVar variation 2634750 (VCV002634750.1), dbSNP rs576796827, ClinGen allele CA10080582.

ClinVar aggregate classification (germline): Uncertain significance (1 of 4 stars; one submission).

Conditions:
PCNT-related disorder. Also called: PCNT-related condition.

Allele frequency attached by ClinVar (database versions not stated): 1000 Genomes Project 30x 0.00016; 1000 Genomes Project 0.00020.
gnomAD v4.1: 8 of 1,613,870 alleles (0.0005%); highest among the groups gnomAD compares: African/African-American, 0.0027%; no homozygotes.

Submission:

PreventionGenetics, part of Exact Sciences
Classification: Uncertain significance for PCNT-related condition. Last evaluated: 2023-06-07. Review status: criteria provided, single submitter. Criteria: ACMG Guidelines, 2015. Collection method: clinical testing. Allele origin: germline.
Comment: The PCNT c.7246C>G variant is predicted to result in the amino acid substitution p.Pro2416Ala. To our knowledge, this variant has not been reported in the literature. This variant is reported in 0.0080% of alleles in individuals of African descent in gnomAD. At this time, the clinical significance of this variant is uncertain due to the absence of conclusive functional and genetic evidence.